The following is an entry in ClinVar:

ClinVar aggregate classification (germline): Uncertain significance (1 of 4 stars; one submission).

Conditions:
Bardet-Biedl syndrome (BBS). Identifiers: Orphanet 110, MedGen C0752166, MONDO:0015229.

gnomAD v4.1: 1 of 1,613,848 alleles (0.000062%); highest among the groups gnomAD compares: East Asian, 0.0022%; no homozygotes.

Submission:

Labcorp Genetics (formerly Invitae), Labcorp
Classification: Uncertain significance for Bardet-Biedl syndrome. Last evaluated: 2022-04-06. Review status: criteria provided, single submitter. Criteria: Invitae Variant Classification Sherloc (09022015). Collection method: clinical testing. Allele origin: germline.
Comment: In summary, the available evidence is currently insufficient to determine the role of this variant in disease. Therefore, it has been classified as a Variant of Uncertain Significance. This sequence change replaces leucine, which is neutral and non-polar, with phenylalanine, which is neutral and non-polar, at codon 644 of the BBS10 protein (p.Leu644Phe). This variant is not present in population databases (gnomAD no frequency). This missense change has been observed in individual(s) with clinical features of Bardet-Biedl syndrome (Invitae). Algorithms developed to predict the effect of missense changes on protein structure and function are either unavailable or do not agree on the potential impact of this missense change (SIFT: "Deleterious"; PolyPhen-2: "Probably Damaging"; Align-GVGD: "Class C0").

NM_024685.4(BBS10):c.1930C>T (p.Leu644Phe)

Gene: BBS10 (Bardet-Biedl syndrome 10; minus strand). Cytogenetic location: 12q21.2.
Variant type: single nucleotide variant.
Coding change: c.1930C>T on transcript NM_024685.4 (MANE Select); coding-DNA position 1930, C replaced by T.
Protein change: p.Leu644Phe; replaces leucine 644 with phenylalanine.
Molecular consequence: missense variant.
Genome position (GRCh38, 1-based): chr12:76,346,055, G>A on the plus strand (C>T on the coding strand, the complement: BBS10 is on the minus strand). VCF-style: chr12-76346055-G-A. GRCh37 (hg19) VCF-style: chr12-76739835-G-A.
Other names: short protein forms L644F.
Identifiers: ClinVar variation 2122045 (VCV002122045.2), dbSNP rs2540954973, ClinGen allele CA385808963.